The following is an entry in ClinVar:

ClinVar aggregate classification (germline): Benign/Likely benign. Review status: criteria provided, multiple submitters, no conflicts (2 of 4 stars). 3 submissions from 3 submitters: Benign (1); Likely benign (2). Last evaluated 2024-04-22.

Conditions:
Hereditary cancer-predisposing syndrome. Also called: Hereditary neoplastic syndrome; Tumor predisposition; Neoplastic Syndromes, Hereditary; Hereditary Cancer Syndrome. Identifiers: Orphanet 140162, MedGen C0027672, MeSH D009386, MONDO:0015356.
Ataxia-telangiectasia syndrome (AT). Also called: Cerebello-oculocutaneous telangiectasia; Immunodeficiency with ataxia telangiectasia; Ataxia-telangiectasia; AT, COMPLEMENTATION GROUP C; Ataxia telangiectasia (A-T); LOUIS-BAR SYNDROME. Identifiers: Orphanet 100, MedGen C0004135, MONDO:0008840, OMIM 208900.
Familial cancer of breast. Also called: BREAST CANCER, FAMILIAL; Hereditary breast cancer; hereditary breast carcinoma. Identifiers: Orphanet 227535, MedGen C0346153, MONDO:0016419, OMIM 114480. Disease mechanism: loss of function.

gnomAD v4.1: 3 of 1,613,764 alleles (0.00019%); highest among the groups gnomAD compares: Non-Finnish European, 0.00025%; no homozygotes.

Submissions (3):

Myriad Genetics, Inc.
Classification: Benign for Familial cancer of breast. Last evaluated: 2024-04-22. Review status: criteria provided, single submitter. Criteria: Myriad Autosomal Dominant, Autosomal Recessive and X-Linked Classification Criteria (2023). Collection method: clinical testing. Allele origin: unknown.
Comment: This variant is considered benign. This variant is a silent/synonymous amino acid change and it is not expected to impact splicing.

Ambry Genetics
Classification: Likely benign for Hereditary cancer-predisposing syndrome. Last evaluated: 2022-11-20. Review status: criteria provided, single submitter. Criteria: Ambry Variant Classification Scheme 2023. Collection method: clinical testing. Allele origin: germline.

Labcorp Genetics (formerly Invitae), Labcorp
Classification: Likely benign for Ataxia-telangiectasia syndrome. Last evaluated: 2022-04-19. Review status: criteria provided, single submitter. Criteria: Invitae Variant Classification Sherloc (09022015). Collection method: clinical testing. Allele origin: germline.

NM_000051.4(ATM):c.684T>G (p.Gly228=)

Gene: ATM (ATM serine/threonine kinase; plus strand). Cytogenetic location: 11q22.3.
Variant type: single nucleotide variant.
Coding change: c.684T>G on transcript NM_000051.4 (MANE Select); coding-DNA position 684, T replaced by G.
Protein change: p.Gly228=; no amino-acid change (glycine 228 retained).
Molecular consequence: synonymous variant.
Genome position (GRCh38, 1-based): chr11:108,244,809, T>G. VCF-style: chr11-108244809-T-G. GRCh37 (hg19) VCF-style: chr11-108115536-T-G.
Other names: c.684T>G, p.Gly228= (NM_001351834.2).
Identifiers: ClinVar variation 2418706 (VCV002418706.9), dbSNP rs1591503368, ClinGen allele CA476744612.